The following is an entry in ClinVar:

ClinVar aggregate classification (germline): Uncertain significance (1 of 4 stars; one submission).

Conditions:
Inborn genetic diseases. Identifiers: MedGen C0950123, MeSH D030342.

Submission:

Ambry Genetics
Classification: Uncertain significance for Inborn genetic diseases. Last evaluated: 2026-07-14. Review status: criteria provided, single submitter. Criteria: Ambry Variant Classification Scheme 2023. Collection method: clinical testing. Allele origin: germline.
Comment: The p.G172R variant (also known as c.514G>A), located in coding exon 5 of the USB1 gene, results from a G to A substitution at nucleotide position 514. The glycine at codon 172 is replaced by arginine, an amino acid with dissimilar properties. This amino acid position is conserved. In addition, this alteration is predicted to be deleterious by in silico analysis. Based on the available evidence, the clinical significance of this variant remains unclear.

NM_024598.4(USB1):c.514G>A (p.Gly172Arg)

Gene: USB1 (U6 snRNA biogenesis phosphodiesterase 1; plus strand). Cytogenetic location: 16q21.
Variant type: single nucleotide variant.
Coding change: c.514G>A on transcript NM_024598.4 (MANE Select); coding-DNA position 514, G replaced by A.
Protein change: p.Gly172Arg; replaces glycine 172 with arginine.
Molecular consequence: missense variant.
Genome position (GRCh38, 1-based): chr16:58,017,344, G>A. VCF-style: chr16-58017344-G-A. GRCh37 (hg19) VCF-style: chr16-58051248-G-A.
Other names: c.460G>A, p.Gly154Arg (NM_001195302.2); c.361G>A, p.Gly121Arg (NM_001330568.2); short protein forms G121R, G154R, G172R.
Identifiers: ClinVar variation 5031611 (VCV005031611.1).